The following is an entry in ClinVar:

ClinVar aggregate classification (germline): Uncertain significance (1 of 4 stars; one submission).

gnomAD v4.1: 5 of 1,611,318 alleles (0.00031%); highest among the groups gnomAD compares: African/African-American, 0.0054%; no homozygotes.

Submission:

Mayo Clinic Laboratories, Mayo Clinic
Classification: Uncertain significance. Last evaluated: 2025-01-03. Review status: criteria provided, single submitter. Criteria: ACMG Guidelines, 2015. Collection method: clinical testing. Allele origin: germline. Observed: 1 variant allele.
Comment: BP4, PM2_supporting

NM_006073.4(TRDN):c.2149G>T (p.Gly717Cys)

Gene: TRDN (triadin; minus strand). Cytogenetic location: 6q22.31.
Variant type: single nucleotide variant.
Coding change: c.2149G>T on transcript NM_006073.4 (MANE Select); coding-DNA position 2149, G replaced by T.
Protein change: p.Gly717Cys; replaces glycine 717 with cysteine.
Molecular consequence: missense variant.
Genome position (GRCh38, 1-based): chr6:123,218,642, C>A on the plus strand (G>T on the coding strand, the complement: TRDN is on the minus strand). VCF-style: chr6-123218642-C-A. GRCh37 (hg19) VCF-style: chr6-123539787-C-A.
Other names: p.Gly717Cys; short protein forms G717C.
Identifiers: ClinVar variation 4541209 (VCV004541209.1).